The following is an entry in ClinVar:

ClinVar aggregate classification (germline): Benign (1 of 4 stars; one submission).

Allele frequency attached by ClinVar (database versions not stated): 1000 Genomes Project 0.24541; 1000 Genomes Project 30x 0.25625; gnomAD 0.31578 and 0.32999; TOPMed 0.33631.
gnomAD v4.1: 47,993 of 152,020 alleles (32%); highest among the groups gnomAD compares: African/African-American, 53%; 9,301 homozygotes.

Submission:

GeneDx
Classification: Benign. Last evaluated: 2018-06-19. Review status: criteria provided, single submitter. Criteria: GeneDx Variant Classification (06012015). Collection method: clinical testing. Allele origin: germline. Affected: yes.
Comment: This variant is considered likely benign or benign based on one or more of the following criteria: it is a conservative change, it occurs at a poorly conserved position in the protein, it is predicted to be benign by multiple in silico algorithms, and/or has population frequency not consistent with disease.

NM_006096.4(NDRG1):c.99+245T>C

Gene: NDRG1 (N-myc downstream regulated 1; minus strand). Cytogenetic location: 8q24.22.
Variant type: single nucleotide variant.
Coding change: c.99+245T>C on transcript NM_006096.4 (MANE Select); 245 bases into the intron after coding-DNA position 99, T replaced by C.
Molecular consequence: intron variant.
Genome position (GRCh38, 1-based): chr8:133,279,987, A>G on the plus strand (T>C on the coding strand, the complement: NDRG1 is on the minus strand). VCF-style: chr8-133279987-A-G. GRCh37 (hg19) VCF-style: chr8-134292230-A-G.
Other names: c.-99-15335T>C (NM_001258432.2); c.-100+245T>C (NM_001374847.1); c.-39+245T>C (NM_001258433.2); c.99+245T>C (NM_001374844.1, NM_001135242.2, NM_001374845.1 and 1 more transcripts).
Identifiers: ClinVar variation 667653 (VCV000667653.1), dbSNP rs6980661, ClinGen allele CA12848580.